The following is an entry in ClinVar:

NM_018669.6(WDR4):c.1149A>G (p.Leu383=)

Gene: WDR4 (WDR4 tRNA N7-guanosine methyltransferase non-catalytic subunit; minus strand). Cytogenetic location: 21q22.3.
Variant type: single nucleotide variant.
Coding change: c.1149A>G on transcript NM_018669.6 (MANE Select); coding-DNA position 1149, A replaced by G.
Protein change: p.Leu383=; no amino-acid change (leucine 383 retained).
Molecular consequence: synonymous variant. On other transcripts: non-coding transcript variant (1).
Genome position (GRCh38, 1-based): chr21:42,850,139, T>C on the plus strand (A>G on the coding strand, the complement: WDR4 is on the minus strand). VCF-style: chr21-42850139-T-C. GRCh37 (hg19) VCF-style: chr21-44270249-T-C.
Other names: c.1146A>G, p.Leu382= (NM_001260474.2); c.711A>G, p.Leu237= (NM_001260475.2, NM_001260476.2, NM_001260477.2 and 1 more transcripts); c.1149A>G, p.Leu383= (NM_033661.5); c.1149A>G (NM_033661.4).
Identifiers: ClinVar variation 2059339 (VCV002059339.14), dbSNP rs141128863, ClinGen allele CA10045777.

ClinVar aggregate classification (germline): Likely benign. Review status: criteria provided, multiple submitters, no conflicts (2 of 4 stars). 3 submissions from 3 submitters: Likely benign (2). 1 of the submissions does not count toward it. Last evaluated 2025-12-29.

Conditions:
WDR4-related disorder. Also called: WDR4-Related Disorders; WDR4-related condition.

Allele frequency attached by ClinVar (database versions not stated): ExAC 0.00032; gnomAD 0.00055; TOPMed 0.00059; gnomAD exomes 0.00106; ESP Exome Variant Server 0.00131.
gnomAD v4.1: 1,666 of 1,613,994 alleles (0.1%); highest among the groups gnomAD compares: Non-Finnish European, 0.13%; 3 homozygotes.

Submissions (3):

Labcorp Genetics (formerly Invitae), Labcorp
Classification: Likely benign. Last evaluated: 2025-12-29. Review status: criteria provided, single submitter. Criteria: Invitae Variant Classification Sherloc (09022015). Collection method: clinical testing. Allele origin: germline.

CeGaT Center for Human Genetics Tuebingen
Classification: Likely benign. Last evaluated: 2025-07-01. Review status: criteria provided, single submitter. Criteria: CeGaT Center For Human Genetics Tuebingen Variant Classification Criteria Version 2. Collection method: clinical testing. Allele origin: germline. Affected: yes. Observed: 1 variant allele.
Comment: WDR4: BP4, BP7

PreventionGenetics, part of Exact Sciences
Classification: Likely benign for WDR4-related condition. Last evaluated: 2019-05-22. Review status: no assertion criteria provided. Collection method: clinical testing. Allele origin: germline. Not counted in ClinVar's aggregate classification.
Comment: This variant is classified as likely benign based on ACMG/AMP sequence variant interpretation guidelines (Richards et al. 2015 PMID: 25741868, with internal and published modifications).